The following is an entry in ClinVar:

ClinVar aggregate classification (germline): Pathogenic. Review status: criteria provided, multiple submitters, no conflicts (2 of 4 stars). 2 submissions from 2 submitters: Pathogenic (2). Last evaluated 2023-11-18.

Conditions:
Long QT syndrome (LQTS). Identifiers: MedGen C0023976, MeSH D008133, MONDO:0002442. Disease mechanism: loss of function. Inheritance: Various modes of inheritance.

Submissions (2):

Labcorp Genetics (formerly Invitae), Labcorp
Classification: Pathogenic for Long QT syndrome. Last evaluated: 2023-11-18. Review status: criteria provided, single submitter. Criteria: Invitae Variant Classification Sherloc (09022015). Collection method: clinical testing. Allele origin: germline.
Comment: This sequence change creates a premature translational stop signal (p.Gly189Alafs*95) in the KCNQ1 gene. It is expected to result in an absent or disrupted protein product. Loss-of-function variants in KCNQ1 are known to be pathogenic (PMID: 9323054, 19862833). This variant is not present in population databases (gnomAD no frequency). This variant has not been reported in the literature in individuals affected with KCNQ1-related conditions. ClinVar contains an entry for this variant (Variation ID: 817323). For these reasons, this variant has been classified as Pathogenic.

GeneDx
Classification: Pathogenic. Last evaluated: 2018-11-28. Review status: criteria provided, single submitter. Criteria: GeneDx Variant Classification (06012015). Collection method: clinical testing. Allele origin: germline. Affected: yes.
Comment: Although the c.566_567delGG pathogenic variant in the KCNQ1 gene has not been reported to our knowledge, this variant causes a shift in reading frame starting at codon glycine 189, changing it to an alanine, and creating a premature stop codon at position 95 of the new reading frame, denoted p.Gly189AlafsX95. This pathogenic variant is expected to result in either an abnormal, truncated protein product or loss of protein from this allele through nonsense-mediated mRNA decay. Other frameshift variants in the KCNQ1 gene have been reported in Human Gene Mutation Database in association with LQTS (Stenson et al., 2014), indicating that loss of function is a mechanism of disease for this gene. Furthermore, the c.566_567delGG variant has not been observed in large population cohorts (Lek et al., 2016). In summary, c.566_567delGG in the KCNQ1 gene is interpreted as a pathogenic variant.

Literature cited by the submitters: PubMed 9323054 (cited by Labcorp Genetics (formerly Invitae), Labcorp); PubMed 19862833 (cited by Labcorp Genetics (formerly Invitae), Labcorp).

NM_000218.3(KCNQ1):c.566_567del (p.Gly189fs)

Gene: KCNQ1 (potassium voltage-gated channel subfamily Q member 1; plus strand). Cytogenetic location: 11p15.5.
Variant type: Deletion.
Coding change: c.566_567del on transcript NM_000218.3 (MANE Select); coding-DNA positions 566 to 567, 2 bases deleted (GG; older notation c.566_567delGG).
Protein change: p.Gly189fs; shifts the reading frame from glycine 189.
Molecular consequence: frameshift variant.
Genome position (GRCh38, 1-based): chr11:2,570,716-2,570,717, GG deleted; deleting any 2 consecutive bases within chr11:2,570,713-2,570,717 gives the same sequence; the c. name uses the placement nearest the transcript's 3' end. VCF-style (leftmost placement, unchanged base first): chr11-2570712-TGG-T. GRCh37 (hg19) VCF-style: chr11-2591942-TGG-T.
Other names: c.566_567del (NM_000218.2); c.566_567delGG, p.Gly189Alafs (NM_001406836.1); c.296_297delGG, p.Gly99Alafs (NM_001406837.1); c.185_186delGG, p.Gly62Alafs (NM_181798.2); short protein forms G62fs, G189fs.
Identifiers: ClinVar variation 817323 (VCV000817323.11), dbSNP rs397508117, ClinGen allele CA915947934.
Genomic context (GRCh38, chr11:2,570,712, plus strand): 5'-GGGACGGAGTACGTGGTCCGCCTCTGGTCCGCCGGCTGCCGCAGCAAGTACGTGGGCCTC[TGG>T]GGGCGGCTGCGCTTTGCCCGGAAGCCCATTTCCATCATCGGTGAGTCATGCCTGCCCTGT-3'